The following is an entry in ClinVar:

ClinVar aggregate classification (germline): Uncertain significance (1 of 4 stars; one submission).

gnomAD v4.1: 4 of 1,614,182 alleles (0.00025%); highest among the groups gnomAD compares: Non-Finnish European, 0.00017%; no homozygotes.

Submission:

Labcorp Genetics (formerly Invitae), Labcorp
Classification: Uncertain significance. Last evaluated: 2025-06-15. Review status: criteria provided, single submitter. Criteria: Invitae Variant Classification Sherloc (09022015). Collection method: clinical testing. Allele origin: germline.
Comment: This sequence change replaces valine, which is neutral and non-polar, with isoleucine, which is neutral and non-polar, at codon 135 of the NSUN3 protein (p.Val135Ile). This variant is present in population databases (rs780699805, gnomAD 0.004%). This variant has not been reported in the literature in individuals affected with NSUN3-related conditions. An algorithm developed to predict the effect of missense changes on protein structure and function outputs the following: PolyPhen-2: "Benign". The isoleucine amino acid residue is found in multiple mammalian species, which suggests that this missense change does not adversely affect protein function. In summary, the available evidence is currently insufficient to determine the role of this variant in disease. Therefore, it has been classified as a Variant of Uncertain Significance.

NM_022072.5(NSUN3):c.403G>A (p.Val135Ile)

Gene: NSUN3 (NOP2/Sun RNA methyltransferase 3; plus strand). Cytogenetic location: 3q11.2.
Variant type: single nucleotide variant.
Coding change: c.403G>A on transcript NM_022072.5 (MANE Select); coding-DNA position 403, G replaced by A.
Protein change: p.Val135Ile; replaces valine 135 with isoleucine.
Molecular consequence: missense variant.
Genome position (GRCh38, 1-based): chr3:94,084,387, G>A. VCF-style: chr3-94084387-G-A. GRCh37 (hg19) VCF-style: chr3-93803231-G-A.
Other names: short protein forms V135I.
Identifiers: ClinVar variation 4760501 (VCV004760501.1).